The following is an entry in ClinVar:

NM_005502.4(ABCA1):c.4629A>T (p.Gln1543His)

Gene: ABCA1 (ATP binding cassette subfamily A member 1; minus strand). Cytogenetic location: 9q31.1.
Variant type: single nucleotide variant.
Coding change: c.4629A>T on transcript NM_005502.4 (MANE Select); coding-DNA position 4629, A replaced by T.
Protein change: p.Gln1543His; replaces glutamine 1543 with histidine.
Molecular consequence: missense variant.
Genome position (GRCh38, 1-based): chr9:104,802,123, T>A on the plus strand (A>T on the coding strand, the complement: ABCA1 is on the minus strand). VCF-style: chr9-104802123-T-A. GRCh37 (hg19) VCF-style: chr9-107564404-T-A.
Other names: short protein forms Q1543H.
Identifiers: ClinVar variation 1428280 (VCV001428280.3), dbSNP rs1195526722, ClinGen allele CA374315032.

ClinVar aggregate classification (germline): Uncertain significance (1 of 4 stars; one submission).

gnomAD v4.1: 1 of 1,614,212 alleles (0.000062%); highest among the groups gnomAD compares: Admixed American, 0.0017%; no homozygotes.

Submission:

Labcorp Genetics (formerly Invitae), Labcorp
Classification: Uncertain significance. Last evaluated: 2022-08-15. Review status: criteria provided, single submitter. Criteria: Invitae Variant Classification Sherloc (09022015). Collection method: clinical testing. Allele origin: germline.
Comment: This sequence change replaces glutamine, which is neutral and polar, with histidine, which is basic and polar, at codon 1543 of the ABCA1 protein (p.Gln1543His). This variant is not present in population databases (gnomAD no frequency). This variant has not been reported in the literature in individuals affected with ABCA1-related conditions. ClinVar contains an entry for this variant (Variation ID: 1428280). Advanced modeling of protein sequence and biophysical properties (such as structural, functional, and spatial information, amino acid conservation, physicochemical variation, residue mobility, and thermodynamic stability) performed at Invitae indicates that this missense variant is not expected to disrupt ABCA1 protein function. In summary, the available evidence is currently insufficient to determine the role of this variant in disease. Therefore, it has been classified as a Variant of Uncertain Significance.